The following is an entry in ClinVar:

ClinVar aggregate classification (germline): Uncertain significance (1 of 4 stars; one submission).

Conditions:
Familial thoracic aortic aneurysm and aortic dissection (TAAD). Also called: Thoracic aortic aneurysms and dissections. Identifiers: Orphanet 91387, MedGen C4707243, MONDO:0019625.

Allele frequency attached by ClinVar (database versions not stated): gnomAD exomes below 0.00001; TOPMed below 0.00001; gnomAD 0.00001; ExAC 0.00002.
gnomAD v4.1: 6 of 1,614,246 alleles (0.00037%); highest among the groups gnomAD compares: South Asian, 0.0055%; no homozygotes.

Submission:

Ambry Genetics
Classification: Uncertain significance for Familial thoracic aortic aneurysm and aortic dissection. Last evaluated: 2020-09-04. Review status: criteria provided, single submitter. Criteria: Ambry Variant Classification Scheme 2023. Collection method: clinical testing. Allele origin: germline.
Comment: The p.K1738R variant (also known as c.5213A>G), located in coding exon 28 of the MYLK gene, results from an A to G substitution at nucleotide position 5213. The lysine at codon 1738 is replaced by arginine, an amino acid with highly similar properties. This amino acid position is highly conserved in available vertebrate species; however, arginine is the reference amino acid in other vertebrate species. In addition, the in silico prediction for this alteration is inconclusive. Since supporting evidence is limited at this time, the clinical significance of this alteration remains unclear.

NM_053025.4(MYLK):c.5213A>G (p.Lys1738Arg)

Genes: MYLK (myosin light chain kinase; minus strand), MYLK-AS1 (MYLK antisense RNA 1; plus strand). Cytogenetic location: 3q21.1.
Variant type: single nucleotide variant.
Coding change: c.5213A>G on transcript NM_053025.4 (MANE Select); coding-DNA position 5213, A replaced by G.
Protein change: p.Lys1738Arg; replaces lysine 1738 with arginine.
Molecular consequence: missense variant.
Genome position (GRCh38, 1-based): chr3:123,626,843, T>C on the plus strand (A>G on the coding strand, the complement: MYLK is on the minus strand). VCF-style: chr3-123626843-T-C. GRCh37 (hg19) VCF-style: chr3-123345690-T-C.
Other names: c.4685A>G, p.Lys1562Arg (NM_001321309.2); c.5006A>G, p.Lys1669Arg (NM_053026.4); c.5060A>G, p.Lys1687Arg (NM_053027.4); c.4853A>G, p.Lys1618Arg (NM_053028.4); short protein forms K1562R, K1669R, K1618R, K1687R, K1738R.
Identifiers: ClinVar variation 1746119 (VCV001746119.2), dbSNP rs767172548, ClinGen allele CA072634.